The following is an entry in ClinVar:

ClinVar aggregate classification (germline): Conflicting classifications of pathogenicity. Review status: criteria provided, conflicting classifications (1 of 4 stars). 5 submissions from 5 submitters: Pathogenic (1); Likely pathogenic (1); Uncertain significance (1). 2 of the submissions do not count toward it. Last evaluated 2026-08-05.

Conditions:
Tyrosinemia type I (TYRSN1). Also called: Deficiency of fumarylacetoacetase; HEPATORENAL TYROSINEMIA; FAH DEFICIENCY; Tyrosinemia type 1; Fumarylacetoacetase deficiency. Identifiers: Orphanet 882, MedGen C0268490, MONDO:0010161, OMIM 276700. Disease mechanism: loss of function.

Allele frequency attached by ClinVar (database versions not stated): gnomAD exomes below 0.00001; gnomAD 0.00001; TOPMed 0.00001.

Submissions (5):

Myriad Genetics, Inc.
Classification: Uncertain significance for Tyrosinemia type I. Last evaluated: 2026-08-05. Review status: criteria provided, single submitter. Criteria: Myriad Autosomal Dominant, Autosomal Recessive and X-Linked Classification Criteria (2023). Collection method: clinical testing. Allele origin: unknown.
Comment: NM_000137.2(FAH):c.836A>G(Q279R) is a missense variant classified as a variant of uncertain significance in the context of tyrosinemia type I. Q279R has been observed in cases with relevant disease (PMID: 11196105, 23895425). Relevant functional assessments of this variant are available in the literature (PMID: 11278491, 11476670, 23895425). Q279R has not been observed in referenced population frequency databases. In summary, there is insufficient evidence to classify NM_000137.2(FAH):c.836A>G(Q279R) as pathogenic or benign. Please note: this variant was assessed in the context of healthy population screening.

Labcorp Genetics (formerly Invitae), Labcorp
Classification: Pathogenic for Tyrosinemia type I. Last evaluated: 2025-09-02. Review status: criteria provided, single submitter. Criteria: Invitae Variant Classification Sherloc (09022015). Collection method: clinical testing. Allele origin: germline.
Comment: This sequence change replaces glutamine, which is neutral and polar, with arginine, which is basic and polar, at codon 279 of the FAH protein (p.Gln279Arg). This variant is not present in population databases (gnomAD no frequency). This missense change has been observed in individual(s) with tyrosinemia, type 1 (PMID: 11196105). In at least one individual the data is consistent with being in trans (on the opposite chromosome) from a pathogenic variant. ClinVar contains an entry for this variant (Variation ID: 11875). An algorithm developed to predict the effect of missense changes on protein structure and function (PolyPhen-2) suggests that this variant is likely to be disruptive. Studies have shown that this missense change alters mRNA splicing and is expected to lead to the loss of protein expression (PMID: 11476670). For these reasons, this variant has been classified as Pathogenic.

Baylor Genetics
Classification: Likely pathogenic for Tyrosinemia type I. Last evaluated: 2023-08-01. Review status: criteria provided, single submitter. Criteria: ACMG Guidelines, 2015. Collection method: clinical testing. Allele origin: unknown.

Natera, Inc.
Classification: Likely pathogenic for Tyrosinemia type I. Last evaluated: 2020-05-22. Review status: no assertion criteria provided. Collection method: clinical testing. Allele origin: germline. Not counted in ClinVar's aggregate classification.

OMIM
Classification: Pathogenic for TYROSINEMIA, TYPE I. Last evaluated: 2000-12-01. Review status: no assertion criteria provided. Collection method: literature only. Allele origin: germline. Not counted in ClinVar's aggregate classification.

Literature cited by the submitters: PubMed 11196105 (cited by 3 submitters); PubMed 11278491 (cited by Myriad Genetics, Inc.); PubMed 11476670 (cited by Myriad Genetics, Inc. and Labcorp Genetics (formerly Invitae), Labcorp); PubMed 23895425 (cited by Myriad Genetics, Inc.).

NM_000137.4(FAH):c.836A>G (p.Gln279Arg)

Gene: FAH (fumarylacetoacetate hydrolase; plus strand). Cytogenetic location: 15q25.1.
Variant type: single nucleotide variant.
Coding change: c.836A>G on transcript NM_000137.4 (MANE Select); coding-DNA position 836, A replaced by G.
Protein change: p.Gln279Arg; replaces glutamine 279 with arginine.
Molecular consequence: missense variant.
Genome position (GRCh38, 1-based): chr15:80,173,143, A>G. VCF-style: chr15-80173143-A-G. GRCh37 (hg19) VCF-style: chr15-80465485-A-G.
Other names: c.836A>G, p.Gln279Arg (NM_001374377.1, NM_001374380.1); short protein forms Q279R.
Identifiers: ClinVar variation 11875 (VCV000011875.14), dbSNP rs121965078, ClinGen allele CA256106.